The following is an entry in ClinVar:

NM_007294.4(BRCA1):c.2134T>C (p.Cys712Arg)

Gene: BRCA1 (BRCA1 DNA repair associated; minus strand). Cytogenetic location: 17q21.31.
Variant type: single nucleotide variant.
Coding change: c.2134T>C on transcript NM_007294.4 (MANE Select); coding-DNA position 2134, T replaced by C.
Protein change: p.Cys712Arg; replaces cysteine 712 with arginine.
Molecular consequence: missense variant. On other transcripts: intron variant (137).
Genome position (GRCh38, 1-based): chr17:43,093,397, A>G on the plus strand (T>C on the coding strand, the complement: BRCA1 is on the minus strand). VCF-style: chr17-43093397-A-G. GRCh37 (hg19) VCF-style: chr17-41245414-A-G.
Other names: c.1924T>C, p.Cys642Arg (NM_001407884.1, NM_001407885.1, NM_001407886.1 and 13 more transcripts); c.1921T>C, p.Cys641Arg (NM_001407571.1, NM_001407894.1, NM_001407895.1 and 9 more transcripts); c.2134T>C, p.Cys712Arg (NM_001407581.1, NM_001407582.1, NM_001407583.1 and 30 more transcripts); c.2131T>C, p.Cys711Arg (NM_001407587.1, NM_001407590.1, NM_001407591.1 and 22 more transcripts); c.2011T>C, p.Cys671Arg (NM_001407919.1, NM_001407937.1, NM_001407938.1 and 19 more transcripts); c.1870T>C, p.Cys624Arg (NM_001407920.1, NM_001407921.1, NM_001407922.1 and 9 more transcripts); c.1867T>C, p.Cys623Arg (NM_001407930.1, NM_001407931.1, NM_001407932.1 and 2 more transcripts); c.2008T>C, p.Cys670Arg (NM_001407940.1, NM_001407941.1, NM_001407649.1 and 11 more transcripts); and 41 more; short protein forms C712R, C665R, C544R, C584R, C623R, C645R, C670R, C686R.
Identifiers: ClinVar variation 185228 (VCV000185228.8), dbSNP rs786202015, ClinGen allele CA001433.

ClinVar aggregate classification (germline): Conflicting classifications of pathogenicity. Review status: criteria provided, conflicting classifications (1 of 4 stars). 3 submissions from 3 submitters: Uncertain significance (2); Likely benign (1). Last evaluated 2025-08-17.

Conditions:
Hereditary cancer-predisposing syndrome. Also called: Hereditary neoplastic syndrome; Neoplastic Syndromes, Hereditary; Tumor predisposition; Hereditary Cancer Syndrome. Identifiers: Orphanet 140162, MedGen C0027672, MeSH D009386, MONDO:0015356.
Hereditary breast ovarian cancer syndrome. Also called: Hereditary breast and ovarian cancer syndrome (HBOC); Breast and ovarian cancer; Hereditary breast and/or ovarian cancer syndrome; BRCA1- and BRCA2-Associated Hereditary Breast and Ovarian Cancer; Hereditary breast and ovarian cancer syndrome; Hereditary breast and ovarian cancer. Identifiers: Orphanet 145, MedGen C0677776, MeSH D061325, MONDO:0003582. Disease mechanism: loss of function.

Submissions (3):

Labcorp Genetics (formerly Invitae), Labcorp
Classification: Uncertain significance for Hereditary breast ovarian cancer syndrome. Last evaluated: 2025-08-17. Review status: criteria provided, single submitter. Criteria: Invitae Variant Classification Sherloc (09022015). Collection method: clinical testing. Allele origin: germline.
Comment: This sequence change replaces cysteine, which is neutral and slightly polar, with arginine, which is basic and polar, at codon 712 of the BRCA1 protein (p.Cys712Arg). This variant is not present in population databases (gnomAD no frequency). This variant has not been reported in the literature in individuals affected with BRCA1-related conditions. ClinVar contains an entry for this variant (Variation ID: 185228). Invitae Evidence Modeling of protein sequence and biophysical properties (such as structural, functional, and spatial information, amino acid conservation, physicochemical variation, residue mobility, and thermodynamic stability) indicates that this missense variant is not expected to disrupt BRCA1 protein function with a negative predictive value of 80%. In summary, the available evidence is currently insufficient to determine the role of this variant in disease. Therefore, it has been classified as a Variant of Uncertain Significance.

Ambry Genetics
Classification: Uncertain significance for Hereditary cancer-predisposing syndrome. Last evaluated: 2024-01-09. Review status: criteria provided, single submitter. Criteria: Ambry Variant Classification Scheme 2023. Collection method: clinical testing. Allele origin: germline.
Comment: The p.C712R variant (also known as c.2134T>C), located in coding exon 9 of the BRCA1 gene, results from a T to C substitution at nucleotide position 2134. The cysteine at codon 712 is replaced by arginine, an amino acid with highly dissimilar properties. This amino acid position is not well conserved in available vertebrate species. In addition, the in silico prediction for this alteration is inconclusive. Since supporting evidence is limited at this time, the clinical significance of this alteration remains unclear.

University of Washington Department of Laboratory Medicine, University of Washington
Classification: Likely benign for Hereditary cancer-predisposing syndrome. Last evaluated: 2023-03-23. Review status: criteria provided, single submitter. Criteria: Dines et al. (Genet Med. 2020). Collection method: curation. Allele origin: germline.
Comment: Missense variant in a coldspot region where missense variants are very unlikely to be pathogenic (PMID:31911673).

BRCA1 coldspot (exon 11 using historical exon numbering). Reclassification based on statistical prior probability